The following is an entry in ClinVar:

NM_001853.4(COL9A3):c.1483C>A (p.Pro495Thr)

Genes: COL9A3 (collagen type IX alpha 3 chain; plus strand), LOC126863084 (MED14-independent group 3 enhancer GRCh37_chr20:61467141-61468340; plus strand). Cytogenetic location: 20q13.33.
Variant type: single nucleotide variant.
Coding change: c.1483C>A on transcript NM_001853.4 (MANE Select); coding-DNA position 1483, C replaced by A.
Protein change: p.Pro495Thr; replaces proline 495 with threonine.
Molecular consequence: missense variant.
Genome position (GRCh38, 1-based): chr20:62,836,268, C>A. VCF-style: chr20-62836268-C-A. GRCh37 (hg19) VCF-style: chr20-61467620-C-A.
Other names: short protein forms P495T.
Identifiers: ClinVar variation 3637727 (VCV003637727.2).

ClinVar aggregate classification (germline): Uncertain significance (1 of 4 stars; one submission).

Submission:

Labcorp Genetics (formerly Invitae), Labcorp
Classification: Uncertain significance. Last evaluated: 2024-12-09. Review status: criteria provided, single submitter. Criteria: Invitae Variant Classification Sherloc (09022015). Collection method: clinical testing. Allele origin: germline.
Comment: This sequence change replaces proline, which is neutral and non-polar, with threonine, which is neutral and polar, at codon 495 of the COL9A3 protein (p.Pro495Thr). This variant is not present in population databases (gnomAD no frequency). This variant has not been reported in the literature in individuals affected with COL9A3-related conditions. Invitae Evidence Modeling of protein sequence and biophysical properties (such as structural, functional, and spatial information, amino acid conservation, physicochemical variation, residue mobility, and thermodynamic stability) indicates that this missense variant is not expected to disrupt COL9A3 protein function with a negative predictive value of 95%. In summary, the available evidence is currently insufficient to determine the role of this variant in disease. Therefore, it has been classified as a Variant of Uncertain Significance.